The following is an entry in ClinVar:

NM_000287.4(PEX6):c.2866G>A (p.Ala956Thr)

Gene: PEX6 (peroxisomal biogenesis factor 6; minus strand). Cytogenetic location: 6p21.1.
Variant type: single nucleotide variant.
Coding change: c.2866G>A on transcript NM_000287.4 (MANE Select); coding-DNA position 2866, G replaced by A.
Protein change: p.Ala956Thr; replaces alanine 956 with threonine.
Molecular consequence: missense variant. On other transcripts: non-coding transcript variant (1).
Genome position (GRCh38, 1-based): chr6:42,964,412, C>T on the plus strand (G>A on the coding strand, the complement: PEX6 is on the minus strand). VCF-style: chr6-42964412-C-T. GRCh37 (hg19) VCF-style: chr6-42932150-C-T.
Other names: c.2602G>A, p.Ala868Thr (NM_001316313.2); short protein forms A868T, A956T.
Identifiers: ClinVar variation 657186 (VCV000657186.6), dbSNP rs774145857, ClinGen allele CA3810882.

ClinVar aggregate classification (germline): Uncertain significance. Review status: criteria provided, multiple submitters, no conflicts (2 of 4 stars). 4 submissions from 4 submitters: Uncertain significance (3). 1 of the submissions does not count toward it. Last evaluated 2025-01-26.

Conditions:
Peroxisome biogenesis disorder. Identifiers: Orphanet 79189, MedGen C1832200, MONDO:0019234. Disease mechanism: loss of function.
Inborn genetic diseases. Identifiers: MedGen C0950123, MeSH D030342.
Zellweger spectrum disorders (ZS). Also called: Zellweger Spectrum Disorder; Zellweger Spectrum; Zellweger syndrome; Zellweger Spectrum Disorder (ZSD). Identifiers: Orphanet 912, MedGen C0043459, MONDO:0019609.
Peroxisome biogenesis disorder 4B (PBD4B). Also called: SPINOCEREBELLAR ATAXIA WITH BLINDNESS AND DEAFNESS 1. Identifiers: Orphanet 44, Orphanet 95433, MedGen C3553937, MONDO:0013931, OMIM 614863.

Allele frequency attached by ClinVar (database versions not stated): gnomAD 0.00003; ExAC 0.00001; TOPMed 0.00002.
gnomAD v4.1: 11 of 1,613,684 alleles (0.00068%); highest among the groups gnomAD compares: African/African-American, 0.004%; no homozygotes.

Submissions (4):

Ambry Genetics
Classification: Uncertain significance for Inborn genetic diseases. Last evaluated: 2025-01-26. Review status: criteria provided, single submitter. Criteria: Ambry Variant Classification Scheme 2023. Collection method: clinical testing. Allele origin: germline.

Labcorp Genetics (formerly Invitae), Labcorp
Classification: Uncertain significance for Peroxisome biogenesis disorder. Last evaluated: 2022-08-31. Review status: criteria provided, single submitter. Criteria: Invitae Variant Classification Sherloc (09022015). Collection method: clinical testing. Allele origin: germline.
Comment: This sequence change replaces alanine, which is neutral and non-polar, with threonine, which is neutral and polar, at codon 956 of the PEX6 protein (p.Ala956Thr). This variant is present in population databases (rs774145857, gnomAD 0.004%). This variant has not been reported in the literature in individuals affected with PEX6-related conditions. ClinVar contains an entry for this variant (Variation ID: 657186). Algorithms developed to predict the effect of missense changes on protein structure and function output the following: SIFT: "Tolerated"; PolyPhen-2: "Benign"; Align-GVGD: "Class C0". The threonine amino acid residue is found in multiple mammalian species, which suggests that this missense change does not adversely affect protein function. In summary, the available evidence is currently insufficient to determine the role of this variant in disease. Therefore, it has been classified as a Variant of Uncertain Significance.

Baylor Genetics
Classification: Uncertain significance for Peroxisome biogenesis disorder 4B. Last evaluated: 2019-05-17. Review status: criteria provided, single submitter. Criteria: ACMG Guidelines, 2015. Collection method: clinical testing. Allele origin: maternal. Affected: yes.
Comment: This variant was determined to be of uncertain significance according to ACMG Guidelines, 2015 [PMID:25741868].

Natera, Inc.
Classification: Uncertain significance for Zellweger syndrome. Last evaluated: 2020-09-24. Review status: no assertion criteria provided. Collection method: clinical testing. Allele origin: germline. Not counted in ClinVar's aggregate classification.